The following is an entry in ClinVar:

NM_000238.4(KCNH2):c.77-7C>A

Gene: KCNH2 (potassium voltage-gated channel subfamily H member 2; minus strand). Cytogenetic location: 7q36.1.
Variant type: single nucleotide variant.
Coding change: c.77-7C>A on transcript NM_000238.4 (MANE Select); 7 bases into the intron before coding-DNA position 77, C replaced by A.
Molecular consequence: intron variant.
Genome position (GRCh38, 1-based): chr7:150,974,948, G>T on the plus strand (C>A on the coding strand, the complement: KCNH2 is on the minus strand). VCF-style: chr7-150974948-G-T. GRCh37 (hg19) VCF-style: chr7-150672036-G-T.
Other names: c.77-7C>A (NM_172056.3); c.-101-7C>A (NM_001406755.1).
Identifiers: ClinVar variation 2964910 (VCV002964910.5), dbSNP rs374867768, ClinGen allele CA040629.
Genomic context (GRCh38, chr7:150,974,948, plus strand): 5'-AGTAGATGACGGCGCAGTTCTCCACCCGAGCGTTGGCGATGATGAACTTACGGCCTAGGG[G>T]GGCGGGGAGGAGAGTGCGCGTGAGCGGGGACCCCAGCCTCCGGGACTCCCAGCCCTTCCC-3'

ClinVar aggregate classification (germline): Conflicting classifications of pathogenicity. Review status: criteria provided, conflicting classifications (1 of 4 stars). 3 submissions from 3 submitters: Uncertain significance (1); Likely benign (2). Last evaluated 2025-06-24.

Conditions:
Long QT syndrome (LQTS). Identifiers: MedGen C0023976, MeSH D008133, MONDO:0002442. Disease mechanism: loss of function. Inheritance: Various modes of inheritance.
Cardiac arrhythmia. Also called: Arrhythmia; Cardiac rhythm disease. Identifiers: MedGen C0003811, MONDO:0007263, HP:0011675.

Allele frequency attached by ClinVar (database versions not stated): gnomAD exomes below 0.00001; ExAC 0.00003; ESP Exome Variant Server 0.00008.
gnomAD v4.1: 2 of 1,585,650 alleles (0.00013%); highest among the groups gnomAD compares: South Asian, 0.0011%; no homozygotes.

Submissions (3):

Color Diagnostics, LLC DBA Color Health
Classification: Likely benign for Cardiac arrhythmia. Last evaluated: 2025-06-24. Review status: criteria provided, single submitter. Criteria: ACMG Guidelines, 2015. Collection method: clinical testing. Allele origin: germline.

Labcorp Genetics (formerly Invitae), Labcorp
Classification: Likely benign for Long QT syndrome. Last evaluated: 2025-04-13. Review status: criteria provided, single submitter. Criteria: Invitae Variant Classification Sherloc (09022015). Collection method: clinical testing. Allele origin: germline.

All of Us Research Program, National Institutes of Health
Classification: Uncertain significance for Long QT syndrome. Last evaluated: 2023-06-26. Review status: criteria provided, single submitter. Criteria: ACMG Guidelines, 2015. Collection method: clinical testing. Allele origin: germline. Inheritance: Autosomal dominant inheritance. Observed: 1 variant allele, 1 heterozygote.
Comment: This variant causes a C to A nucleotide substitution at the -7 position of intron 1 of the KCNH2 gene. To our knowledge, functional studies have not been reported for this variant. This variant has not been reported in individuals affected with KCNH2-related disorders in the literature. This variant has not been identified in the general population by the Genome Aggregation Database (gnomAD). The available evidence is insufficient to determine the role of this variant in disease conclusively. Therefore, this variant is classified as a Variant of Uncertain Significance.

This study involves interpretation of variants in research participants for the purpose of population health screening. Participant phenotype was not available at the time of variant classification. Additional details can be found in publication PMID: 35346344, PMCID: PMC8962531